The following is an entry in ClinVar:

NM_001111.5(ADAR):c.1003A>T (p.Ile335Phe)

Gene: ADAR (adenosine deaminase RNA specific; minus strand). Cytogenetic location: 1q21.3.
Variant type: single nucleotide variant.
Coding change: c.1003A>T on transcript NM_001111.5 (MANE Select); coding-DNA position 1003, A replaced by T.
Protein change: p.Ile335Phe; replaces isoleucine 335 with phenylalanine.
Molecular consequence: missense variant.
Genome position (GRCh38, 1-based): chr1:154,601,639, T>A on the plus strand (A>T on the coding strand, the complement: ADAR is on the minus strand). VCF-style: chr1-154601639-T-A. GRCh37 (hg19) VCF-style: chr1-154574115-T-A.
Other names: c.1003A>T, p.Ile335Phe (LRG_1212t1, NM_015840.4, NM_015841.4); c.118A>T, p.Ile40Phe (NM_001025107.3, NM_001193495.2, NM_001365046.1 and 3 more transcripts); c.1030A>T, p.Ile344Phe (NM_001365045.1); short protein forms I335F, I344F, I40F.
Identifiers: ClinVar variation 292781 (VCV000292781.24), dbSNP rs34154757, ClinGen allele CA1131605.

ClinVar aggregate classification (germline): Benign/Likely benign. Review status: criteria provided, multiple submitters, no conflicts (2 of 4 stars). 8 submissions from 8 submitters: Benign (1); Likely benign (7). Last evaluated 2026-01-29.

Conditions:
Symmetrical dyschromatosis of extremities (DSH). Also called: Dyschromatosis symmetrica hereditaria; DYSCHROMATOSIS SYMMETRICA HEREDITARIA 1; RETICULATE ACROPIGMENTATION OF DOHI; SYMMETRIC DYSCHROMATOSIS OF THE EXTREMITIES. Identifiers: Orphanet 41, MedGen C0406775, MONDO:0007483, OMIM 127400.
Aicardi-Goutieres syndrome 6 (AGS6). Identifiers: Orphanet 51, MedGen C3539013, MONDO:0014007, OMIM 615010.

Allele frequency attached by ClinVar (database versions not stated): gnomAD exomes 0.00080; ExAC 0.00094; ESP Exome Variant Server 0.00185; gnomAD 0.00227 and 0.00235; TOPMed 0.00260; 1000 Genomes Project 0.00519; 1000 Genomes Project 30x 0.00531.
gnomAD v4.1: 740 of 1,613,908 alleles (0.046%); highest among the groups gnomAD compares: African/African-American, 0.7%; 3 homozygotes.

Submissions (8):

Women's Health and Genetics/Laboratory Corporation of America, LabCorp
Classification: Likely benign. Last evaluated: 2026-01-29. Review status: criteria provided, single submitter. Criteria: LabCorp Variant Classification Summary - May 2015. Collection method: clinical testing. Allele origin: germline.
Comment: Variant summary: ADAR c.1003A>T (p.Ile335Phe) results in a non-conservative amino acid change in the encoded protein sequence. Algorithms developed to predict the effect of missense changes on protein structure and function are either unavailable or do not agree on the potential impact of this missense change. The variant allele was found at a frequency of 0.0008 in 251084 control chromosomes, predominantly at a frequency of 0.0082 within the African or African-American subpopulation in the gnomAD database. The observed variant frequency within African or African-American control individuals in the gnomAD database exceeds the estimated maximal expected allele frequency for disease-causing variants in ADAR. To our knowledge, no occurrence of c.1003A>T in individuals affected with ADAR-related conditions and no experimental evidence demonstrating its impact on protein function have been reported. ClinVar contains an entry for this variant (Variation ID: 292781). Based on the evidence outlined above, the variant was classified as likely benign.

Labcorp Genetics (formerly Invitae), Labcorp
Classification: Likely benign for Aicardi-Goutieres syndrome 6; Symmetrical dyschromatosis of extremities. Last evaluated: 2026-01-26. Review status: criteria provided, single submitter. Criteria: Invitae Variant Classification Sherloc (09022015). Collection method: clinical testing. Allele origin: germline.

Blueprint Genetics
Classification: Likely benign. Last evaluated: 2024-11-15. Review status: criteria provided, single submitter. Criteria: ACMG Guidelines, 2015. Collection method: clinical testing. Allele origin: germline.

Genome-Nilou Lab
Classification: Likely benign for Aicardi-Goutieres syndrome 6. Last evaluated: 2023-04-11. Review status: criteria provided, single submitter. Criteria: ACMG Guidelines, 2015. Collection method: clinical testing. Allele origin: germline. Affected: no.

GeneDx
Classification: Likely benign. Last evaluated: 2020-10-21. Review status: criteria provided, single submitter. Criteria: GeneDx Variant Classification Process June 2021. Collection method: clinical testing. Allele origin: germline. Affected: yes.

Illumina Laboratory Services, Illumina
Classification: Benign for Symmetrical dyschromatosis of extremities. Last evaluated: 2018-01-13. Review status: criteria provided, single submitter. Criteria: ICSL Variant Classification Criteria 13 December 2019. Collection method: clinical testing. Allele origin: germline.
Comment: This variant was observed in the ICSL laboratory as part of a predisposition screen in an ostensibly healthy population. It had not been previously curated by ICSL or reported in the Human Gene Mutation Database (HGMD: prior to June 1st, 2018), and was therefore a candidate for classification through an automated scoring system. Utilizing variant allele frequency, disease prevalence and penetrance estimates, and inheritance mode, an automated score was calculated to assess if this variant is too frequent to cause the disease. Based on the score and internal cut-off values, a variant classified as benign is not then subjected to further curation. The score for this variant resulted in a classification of benign for this disease.

Center for Pediatric Genomic Medicine, Children's Mercy Hospital and Clinics
Classification: Likely benign. Last evaluated: 2017-06-12. Review status: criteria provided, single submitter. Criteria: ACMG Guidelines, 2015. Collection method: clinical testing. Allele origin: germline.

Breakthrough Genomics
Classification: Likely benign. Review status: criteria provided, single submitter. Criteria: ACMG Guidelines, 2015. Collection method: not provided. Allele origin: germline. Inheritance: Autosomal recessive inheritance. Affected: yes.